The following is an entry in ClinVar:

NM_017636.4(TRPM4):c.1124C>T (p.Thr375Ile)

Gene: TRPM4 (transient receptor potential cation channel subfamily M member 4; plus strand). Cytogenetic location: 19q13.33.
Variant type: single nucleotide variant.
Coding change: c.1124C>T on transcript NM_017636.4 (MANE Select); coding-DNA position 1124, C replaced by T.
Protein change: p.Thr375Ile; replaces threonine 375 with isoleucine.
Molecular consequence: missense variant. On other transcripts: 5 prime UTR variant (1), intron variant (1).
Genome position (GRCh38, 1-based): chr19:49,172,082, C>T. VCF-style: chr19-49172082-C-T. GRCh37 (hg19) VCF-style: chr19-49675339-C-T.
Other names: c.1124C>T, p.Thr375Ile (NM_001195227.2); c.779C>T, p.Thr260Ile (NM_001321281.2); c.-430C>T (NM_001321282.2); c.602C>T, p.Thr201Ile (NM_001321283.2); c.201+313C>T (NM_001321285.2); short protein forms T201I, T375I, T260I.
Identifiers: ClinVar variation 4749596 (VCV004749596.1).

ClinVar aggregate classification (germline): Uncertain significance (1 of 4 stars; one submission).

Conditions:
Progressive familial heart block type IB (PFHB1B). Identifiers: Orphanet 871, MedGen C1970298, MONDO:0011474, OMIM 604559.

gnomAD v4.1: 2 of 1,613,882 alleles (0.00012%); highest among the groups gnomAD compares: Non-Finnish European, 0.00017%; no homozygotes.

Submission:

Labcorp Genetics (formerly Invitae), Labcorp
Classification: Uncertain significance for Progressive familial heart block type IB. Last evaluated: 2025-09-17. Review status: criteria provided, single submitter. Criteria: Invitae Variant Classification Sherloc (09022015). Collection method: clinical testing. Allele origin: germline.
Comment: This sequence change replaces threonine, which is neutral and polar, with isoleucine, which is neutral and non-polar, at codon 375 of the TRPM4 protein (p.Thr375Ile). This variant is not present in population databases (gnomAD no frequency). This variant has not been reported in the literature in individuals affected with TRPM4-related conditions. An algorithm developed to predict the effect of missense changes on protein structure and function (PolyPhen-2) suggests that this variant is likely to be disruptive. In summary, the available evidence is currently insufficient to determine the role of this variant in disease. Therefore, it has been classified as a Variant of Uncertain Significance.